The following is an entry in ClinVar:

ClinVar aggregate classification (germline): Likely pathogenic (1 of 4 stars; one submission).

Conditions:
Leucine-induced hypoglycemia (LIH). Also called: LEUCINE-SENSITIVE HYPOGLYCEMIA OF INFANCY. Identifiers: MedGen C0271714, MONDO:0009415, OMIM 240800.

Submission:

3billion
Classification: Likely pathogenic for Leucine-induced hypoglycemia. Last evaluated: 2022-09-01. Review status: criteria provided, single submitter. Criteria: ACMG Guidelines, 2015. Collection method: clinical testing. Allele origin: germline. Affected: yes. Observed: 1 heterozygote.
Comment: The variant is not observed in the gnomAD v2.1.1 dataset. Frameshift variant is predicted to result in a loss or disruption of normal protein function through nonsense-mediated decay (NMD) or protein truncation. Multiple pathogenic variants are reported downstream of the variant. Therefore, this variant is classified as Likely pathogenic according to the recommendation of ACMG/AMP guideline.

NM_000352.6(ABCC8):c.3062_3065dup (p.Lys1022fs)

Gene: ABCC8 (ATP binding cassette subfamily C member 8; minus strand). Cytogenetic location: 11p15.1.
Variant type: Duplication.
Coding change: c.3062_3065dup on transcript NM_000352.6 (MANE Select); coding-DNA positions 3062 to 3065, 4 bases duplicated (TCAA; older notation c.3062_3065dupTCAA).
Protein change: p.Lys1022fs; shifts the reading frame from lysine 1022.
Molecular consequence: frameshift variant. On other transcripts: non-coding transcript variant (1).
Genome position (GRCh38, 1-based): chr11:17,406,985-17,406,988, TTGA duplicated on the plus strand (TCAA on the coding strand, the reverse complement: ABCC8 is on the minus strand). VCF-style (leftmost placement, unchanged base first): chr11-17406984-C-CTTGA. GRCh37 (hg19) VCF-style: chr11-17428531-C-CTTGA.
Other names: c.3065_3068dup, p.Lys1023fs (NM_001287174.3); c.3128_3131dup, p.Lys1044fs (NM_001351295.2); c.3062_3065dup, p.Lys1022fs (NM_001351296.2); c.3059_3062dup, p.Lys1021fs (NM_001351297.2); short protein forms K1021fs, K1022fs, K1023fs, K1044fs.
Identifiers: ClinVar variation 1705468 (VCV001705468.1), dbSNP rs2496530915, ClinGen allele CA2580082824.